The following is an entry in ClinVar:

ClinVar aggregate classification (germline): Uncertain significance (1 of 4 stars; one submission).

gnomAD v4.1: 1 of 1,614,196 alleles (0.000062%); highest among the groups gnomAD compares: Non-Finnish European, 0.000085%; no homozygotes.

Submission:

Ambry Genetics
Classification: Uncertain significance. Last evaluated: 2024-06-10. Review status: criteria provided, single submitter. Criteria: Ambry Variant Classification Scheme 2023. Collection method: clinical testing. Allele origin: germline.
Comment: The p.A1162V variant (also known as c.3485C>T), located in coding exon 4 of the ALPK2 gene, results from a C to T substitution at nucleotide position 3485. The alanine at codon 1162 is replaced by valine, an amino acid with similar properties. This amino acid position is conserved. In addition, this alteration is predicted to be tolerated by in silico analysis. Based on the available evidence, the clinical significance of this variant remains unclear.

NM_052947.4(ALPK2):c.3485C>T (p.Ala1162Val)

Gene: ALPK2 (alpha kinase 2; minus strand). Cytogenetic location: 18q21.31.
Variant type: single nucleotide variant.
Coding change: c.3485C>T on transcript NM_052947.4 (MANE Select); coding-DNA position 3485, C replaced by T.
Protein change: p.Ala1162Val; replaces alanine 1162 with valine.
Molecular consequence: missense variant.
Genome position (GRCh38, 1-based): chr18:58,536,702, G>A on the plus strand (C>T on the coding strand, the complement: ALPK2 is on the minus strand). VCF-style: chr18-58536702-G-A. GRCh37 (hg19) VCF-style: chr18-56203934-G-A.
Other names: short protein forms A1162V.
Identifiers: ClinVar variation 3290709 (VCV003290709.1).
Genomic context (GRCh38, chr18:58,536,702, plus strand): 5'-CCTTCCCTAGAGCTTGCGGGTGAGTGGGCCGTGGGCACCAAGTTTCTTTCCTCTTGTGCA[G>A]CAGATGTCGTAGGCAAACTTTGTTGGAAATCAGGTGCAGAAAGAGAACCCTGCTGGGACA-3'
Protein context (NP_443179.3, residues 1152-1172): DFQQSLPTTS[Ala1162Val]AQEERNLVPT